The following is an entry in ClinVar:

ClinVar aggregate classification (germline): Likely benign (0 of 4 stars; one submission).

Conditions:
DICER1-related disorder. Also called: DICER1-related condition.

Submission:

PreventionGenetics, part of Exact Sciences
Classification: Likely benign for DICER1-related condition. Last evaluated: 2023-12-01. Review status: no assertion criteria provided. Collection method: clinical testing. Allele origin: germline.
Comment: This variant is classified as likely benign based on ACMG/AMP sequence variant interpretation guidelines (Richards et al. 2015 PMID: 25741868, with internal and published modifications).

NM_177438.3(DICER1):c.1907+9T>C

Gene: DICER1 (dicer 1, ribonuclease III; minus strand). Cytogenetic location: 14q32.13.
Variant type: single nucleotide variant.
Coding change: c.1907+9T>C on transcript NM_177438.3 (MANE Select); 9 bases into the intron after coding-DNA position 1907, T replaced by C.
Molecular consequence: intron variant.
Genome position (GRCh38, 1-based): chr14:95,115,658, A>G on the plus strand (T>C on the coding strand, the complement: DICER1 is on the minus strand). VCF-style: chr14-95115658-A-G. GRCh37 (hg19) VCF-style: chr14-95581995-A-G.
Other names: c.1340+9T>C (NM_001395691.1); c.1907+9T>C (NM_001395684.1, NM_001395683.1, NM_001395679.1 and 12 more transcripts); c.1502+9T>C (NM_001395688.1, NM_001395696.1, NM_001395698.1 and 3 more transcripts); c.224+9T>C (NM_001395697.1); c.1625+9T>C (NM_001395686.1).
Identifiers: ClinVar variation 3053991 (VCV003053991.2), dbSNP rs901713440, ClinGen allele CA2740097197.